The following is an entry in ClinVar:

ClinVar aggregate classification (germline): Uncertain significance (1 of 4 stars; one submission).

Allele frequency attached by ClinVar (database versions not stated): ExAC 0.00001; gnomAD 0.00001; TOPMed 0.00001; gnomAD exomes 0.00003.
gnomAD v4.1: 43 of 1,613,448 alleles (0.0027%); highest among the groups gnomAD compares: Non-Finnish European, 0.0036%; no homozygotes.

Submission:

Labcorp Genetics (formerly Invitae), Labcorp
Classification: Uncertain significance. Last evaluated: 2022-10-15. Review status: criteria provided, single submitter. Criteria: Invitae Variant Classification Sherloc (09022015). Collection method: clinical testing. Allele origin: germline.
Comment: In summary, the available evidence is currently insufficient to determine the role of this variant in disease. Therefore, it has been classified as a Variant of Uncertain Significance. Algorithms developed to predict the effect of missense changes on protein structure and function are either unavailable or do not agree on the potential impact of this missense change (SIFT: "Deleterious"; PolyPhen-2: "Probably Damaging"; Align-GVGD: "Class C0"). This variant has not been reported in the literature in individuals affected with ADGRA3-related conditions. This variant is present in population databases (rs776135006, gnomAD 0.004%). This sequence change replaces alanine, which is neutral and non-polar, with threonine, which is neutral and polar, at codon 838 of the ADGRA3 protein (p.Ala838Thr).

NM_145290.4(ADGRA3):c.2512G>A (p.Ala838Thr)

Gene: ADGRA3 (adhesion G protein-coupled receptor A3; minus strand). Cytogenetic location: 4p15.2.
Variant type: single nucleotide variant.
Coding change: c.2512G>A on transcript NM_145290.4 (MANE Select); coding-DNA position 2512, G replaced by A.
Protein change: p.Ala838Thr; replaces alanine 838 with threonine.
Molecular consequence: missense variant.
Genome position (GRCh38, 1-based): chr4:22,392,660, C>T on the plus strand (G>A on the coding strand, the complement: ADGRA3 is on the minus strand). VCF-style: chr4-22392660-C-T. GRCh37 (hg19) VCF-style: chr4-22394283-C-T.
Other names: short protein forms A838T.
Identifiers: ClinVar variation 2979323 (VCV002979323.3), dbSNP rs776135006, ClinGen allele CA2873599.